The following is an entry in ClinVar:

NM_001256864.2(DNAJC6):c.1651C>A (p.Pro551Thr)

Gene: DNAJC6 (DnaJ heat shock protein family (Hsp40) member C6; plus strand). Cytogenetic location: 1p31.3.
Variant type: single nucleotide variant.
Coding change: c.1651C>A on transcript NM_001256864.2 (MANE Select); coding-DNA position 1651, C replaced by A.
Protein change: p.Pro551Thr; replaces proline 551 with threonine.
Molecular consequence: missense variant.
Genome position (GRCh38, 1-based): chr1:65,392,613, C>A. VCF-style: chr1-65392613-C-A. GRCh37 (hg19) VCF-style: chr1-65858296-C-A.
Other names: p.Pro551Thr; c.1441C>A, p.Pro481Thr (NM_001256865.2); c.1480C>A, p.Pro494Thr (NM_014787.4); short protein forms P481T, P494T, P551T.
Identifiers: ClinVar variation 1374640 (VCV001374640.9), dbSNP rs377495314, ClinGen allele CA893970.

ClinVar aggregate classification (germline): Uncertain significance. Review status: criteria provided, multiple submitters, no conflicts (2 of 4 stars). 2 submissions from 2 submitters: Uncertain significance (2). Last evaluated 2025-11-28.

Conditions:
Juvenile onset Parkinson disease 19A. Also called: PARK19; DNAJC6 Parkinson Disease. Identifiers: Orphanet 391411, MedGen C3809811, MONDO:0014231, OMIM 615528.

Allele frequency attached by ClinVar (database versions not stated): 1000 Genomes Project 30x 0.00047; 1000 Genomes Project 0.00060.
gnomAD v4.1: 55 of 1,613,982 alleles (0.0034%); highest among the groups gnomAD compares: South Asian, 0.045%; no homozygotes.

Submissions (2):

Mayo Clinic Laboratories, Mayo Clinic
Classification: Uncertain significance. Last evaluated: 2025-11-28. Review status: criteria provided, single submitter. Criteria: ACMG Guidelines, 2015. Collection method: clinical testing. Allele origin: germline. Observed: 1 variant allele.
Comment: BP4

Labcorp Genetics (formerly Invitae), Labcorp
Classification: Uncertain significance for Juvenile onset Parkinson disease 19A. Last evaluated: 2022-07-15. Review status: criteria provided, single submitter. Criteria: Invitae Variant Classification Sherloc (09022015). Collection method: clinical testing. Allele origin: germline.
Comment: This variant has not been reported in the literature in individuals affected with DNAJC6-related conditions. In summary, the available evidence is currently insufficient to determine the role of this variant in disease. Therefore, it has been classified as a Variant of Uncertain Significance. Algorithms developed to predict the effect of missense changes on protein structure and function output the following: SIFT: "Tolerated"; PolyPhen-2: "Benign"; Align-GVGD: "Class C0". The threonine amino acid residue is found in multiple mammalian species, which suggests that this missense change does not adversely affect protein function. ClinVar contains an entry for this variant (Variation ID: 1374640). This variant is present in population databases (rs377495314, gnomAD 0.04%). This sequence change replaces proline, which is neutral and non-polar, with threonine, which is neutral and polar, at codon 551 of the DNAJC6 protein (p.Pro551Thr).